The following is an entry in ClinVar:

NM_032816.5(CEP89):c.1373G>A (p.Arg458His)

Gene: CEP89 (centrosomal protein 89; minus strand). Cytogenetic location: 19q13.11.
Variant type: single nucleotide variant.
Coding change: c.1373G>A on transcript NM_032816.5 (MANE Select); coding-DNA position 1373, G replaced by A.
Protein change: p.Arg458His; replaces arginine 458 with histidine.
Molecular consequence: missense variant.
Genome position (GRCh38, 1-based): chr19:32,918,235, C>T on the plus strand (G>A on the coding strand, the complement: CEP89 is on the minus strand). VCF-style: chr19-32918235-C-T. GRCh37 (hg19) VCF-style: chr19-33409141-C-T.
Other names: c.1373G>A (NM_032816.3); short protein forms R458H.
Identifiers: ClinVar variation 2899170 (VCV002899170.4), dbSNP rs766858182, ClinGen allele CA9359319.
Genomic context (GRCh38, chr19:32,918,235, plus strand): 5'-GACAATAGTGACATCAATGCATGACCAGTCCTCACTGGAAGGACCTCACCTTCTTGGAGG[C>T]GCTCCTGGTGGCTGTCCTTGGCTTTCCTTTGCTGAATCTCCAACTGCTCCAGCAACAACT-3'
Protein context (NP_116205.3, residues 448-468): QRKAKDSHQE[Arg458His]LQEVSKLTKQ

ClinVar aggregate classification (germline): Conflicting classifications of pathogenicity. Review status: criteria provided, conflicting classifications (1 of 4 stars). 2 submissions from 2 submitters: Uncertain significance (1); Likely benign (1). Last evaluated 2025-04-09.

Allele frequency attached by ClinVar (database versions not stated): ExAC 0.00001; TOPMed 0.00001.
gnomAD v4.1: 9 of 1,613,218 alleles (0.00056%); highest among the groups gnomAD compares: Non-Finnish European, 0.00076%; no homozygotes.

Submissions (2):

Ambry Genetics
Classification: Likely benign. Last evaluated: 2025-04-09. Review status: criteria provided, single submitter. Criteria: Ambry Variant Classification Scheme 2023. Collection method: clinical testing. Allele origin: germline.

Labcorp Genetics (formerly Invitae), Labcorp
Classification: Uncertain significance. Last evaluated: 2023-08-23. Review status: criteria provided, single submitter. Criteria: Invitae Variant Classification Sherloc (09022015). Collection method: clinical testing. Allele origin: germline.
Comment: This sequence change replaces arginine, which is basic and polar, with histidine, which is basic and polar, at codon 458 of the CEP89 protein (p.Arg458His). This variant is present in population databases (rs766858182, gnomAD 0.002%). This variant has not been reported in the literature in individuals affected with CEP89-related conditions. Algorithms developed to predict the effect of missense changes on protein structure and function output the following: SIFT: "Not Available"; PolyPhen-2: "Benign"; Align-GVGD: "Not Available". The histidine amino acid residue is found in multiple mammalian species, which suggests that this missense change does not adversely affect protein function. In summary, the available evidence is currently insufficient to determine the role of this variant in disease. Therefore, it has been classified as a Variant of Uncertain Significance.